The following is an entry in ClinVar:

ClinVar aggregate classification (germline): Likely pathogenic. Review status: criteria provided, multiple submitters, no conflicts (2 of 4 stars). 3 submissions from 3 submitters: Likely pathogenic (3). Last evaluated 2026-08-19.

Conditions:
Hereditary cancer-predisposing syndrome. Also called: Hereditary Cancer Syndrome; Hereditary neoplastic syndrome; Neoplastic Syndromes, Hereditary; Tumor predisposition. Identifiers: Orphanet 140162, MedGen C0027672, MeSH D009386, MONDO:0015356.
Parathyroid carcinoma (PRTC). Also called: CDC73-Related Parathyroid Carcinoma; Parathyroid gland carcinoma. Identifiers: Orphanet 143, MedGen C0687150, MONDO:0012004, OMIM 608266, HP:0006780.
Hyperparathyroidism 1 (HRPT1). Also called: HYPERPARATHYROIDISM, FAMILIAL ISOLATED PRIMARY. Identifiers: Orphanet 99879, MedGen C1840402, MONDO:0007767, OMIM 145000.
Hyperparathyroidism 2 with jaw tumors. Also called: Hyperparathyroidism-Jaw Tumor Syndrome; Hyperparathyroidism 2; HYPERPARATHYROIDISM, FAMILIAL PRIMARY, WITH MULTIPLE OSSIFYING JAW FIBROMAS; HYPERPARATHYROIDISM-JAW TUMOR SYNDROME, HEREDITARY. Identifiers: Orphanet 99880, MedGen C1704981, MONDO:0007768, OMIM 145001.

Submissions (3):

Ambry Genetics
Classification: Likely pathogenic for Hereditary cancer-predisposing syndrome. Last evaluated: 2026-08-19. Review status: criteria provided, single submitter. Criteria: Ambry Variant Classification Scheme 2023. Collection method: clinical testing. Allele origin: germline.
Comment: The c.513-1G>A intronic variant results from a G to A substitution one nucleotide after coding exon 7 of the CDC73 gene. This variant is considered to be rare based on population cohorts in the Genome Aggregation Database (gnomAD). This nucleotide position is highly conserved in available vertebrate species. In silico splice site analysis predicts that this alteration will weaken the native splice acceptor site and will result in the creation or strengthening of a novel splice acceptor site. Variants that disrupt the canonical splice site are expected to cause aberrant splicing, resulting in an abnormal protein or a transcript that is subject to nonsense-mediated mRNA decay. Based on the majority of available evidence to date, this variant is likely to be pathogenic.

Otogenetics
Classification: Likely pathogenic for Hyperparathyroidism 2 with jaw tumors; Hyperparathyroidism 1; Parathyroid carcinoma. Last evaluated: 2025-10-31. Review status: criteria provided, single submitter. Criteria: ACMG Guidelines, 2015. Collection method: clinical testing. Allele origin: germline.
Comment: PVS1: Null variant in gene with loss of function as mechanism of disease occurring in an acceptor site, disrupting the reading frame and predicted to undergo NMD; PM2: Variant not observed in gnomAD (<0.05% threshold)

Labcorp Genetics (formerly Invitae), Labcorp
Classification: Likely pathogenic for Parathyroid carcinoma. Last evaluated: 2023-10-23. Review status: criteria provided, single submitter. Criteria: Invitae Variant Classification Sherloc (09022015). Collection method: clinical testing. Allele origin: germline.
Comment: This sequence change affects an acceptor splice site in intron 6 of the CDC73 gene. It is expected to disrupt RNA splicing. Variants that disrupt the donor or acceptor splice site typically lead to a loss of protein function (PMID: 16199547), and loss-of-function variants in CDC73 are known to be pathogenic (PMID: 12434154). This variant is not present in population databases (gnomAD no frequency). This variant has not been reported in the literature in individuals affected with CDC73-related conditions. Algorithms developed to predict the effect of sequence changes on RNA splicing suggest that this variant may disrupt the consensus splice site. In summary, the currently available evidence indicates that the variant is pathogenic, but additional data are needed to prove that conclusively. Therefore, this variant has been classified as Likely Pathogenic.

Literature cited by the submitters: PubMed 16199547 (cited by Labcorp Genetics (formerly Invitae), Labcorp); PubMed 12434154 (cited by Labcorp Genetics (formerly Invitae), Labcorp).

NM_024529.5(CDC73):c.513-1G>A

Gene: CDC73 (cell division cycle 73; plus strand). Cytogenetic location: 1q31.2.
Variant type: single nucleotide variant.
Coding change: c.513-1G>A on transcript NM_024529.5 (MANE Select); the canonical splice acceptor site of the intron before coding-DNA position 513, G replaced by A.
Molecular consequence: splice acceptor variant.
Genome position (GRCh38, 1-based): chr1:193,141,849, G>A. VCF-style: chr1-193141849-G-A. GRCh37 (hg19) VCF-style: chr1-193110979-G-A.
Other names: c.513-1G>A (NM_024529.4).
Identifiers: ClinVar variation 2771148 (VCV002771148.5), dbSNP rs779923532, ClinGen allele CA343962199.